The following is an entry in ClinVar:

NM_182961.4(SYNE1):c.20111A>T (p.Gln6704Leu)

Gene: SYNE1 (spectrin repeat containing nuclear envelope protein 1; minus strand). Cytogenetic location: 6q25.2.
Variant type: single nucleotide variant.
Coding change: c.20111A>T on transcript NM_182961.4 (MANE Select); coding-DNA position 20111, A replaced by T.
Protein change: p.Gln6704Leu; replaces glutamine 6704 with leucine.
Molecular consequence: missense variant.
Genome position (GRCh38, 1-based): chr6:152,236,905, T>A on the plus strand (A>T on the coding strand, the complement: SYNE1 is on the minus strand). VCF-style: chr6-152236905-T-A. GRCh37 (hg19) VCF-style: chr6-152558040-T-A.
Other names: c.19898A>T, p.Gln6633Leu (NM_033071.5); short protein forms Q6633L, Q6704L.
Identifiers: ClinVar variation 579382 (VCV000579382.1), dbSNP rs1189558235, ClinGen allele CA366123632.

ClinVar aggregate classification (germline): Uncertain significance (1 of 4 stars; one submission).

Conditions:
Emery-Dreifuss muscular dystrophy 4, autosomal dominant (EDMD4). Also called: EMERY-DREIFUSS MUSCULAR DYSTROPHY 4 WITH VARIABLE FEATURES. Identifiers: Orphanet 261, MedGen C2751807, MONDO:0013071, OMIM 612998.
Autosomal recessive ataxia, Beauce type. Also called: SYNE1-Related Autosomal Recessive Cerebellar Ataxia; Spinocerebellar ataxia, autosomal recessive 8; ATAXIA, RECESSIVE, OF BEAUCE; SYNE1 Deficiency. Identifiers: Orphanet 88644, MedGen C1853116, MONDO:0012549, OMIM 610743.

Submission:

Labcorp Genetics (formerly Invitae), Labcorp
Classification: Uncertain significance for Emery-Dreifuss muscular dystrophy 4, autosomal dominant; Spinocerebellar ataxia, autosomal recessive 8. Last evaluated: 2018-01-23. Review status: criteria provided, single submitter. Criteria: Invitae Variant Classification Sherloc (09022015). Collection method: clinical testing. Allele origin: germline.
Comment: This sequence change replaces glutamine with leucine at codon 6633 of the SYNE1 protein (p.Gln6633Leu). The glutamine residue is highly conserved and there is a moderate physicochemical difference between glutamine and leucine. This variant is not present in population databases (ExAC no frequency). This variant has not been reported in the literature in individuals with SYNE1-related disease. Algorithms developed to predict the effect of missense changes on protein structure and function do not agree on the potential impact of this missense change (SIFT: "Deleterious"; PolyPhen-2: "Benign"; Align-GVGD: "Class C65"). In summary, the available evidence is currently insufficient to determine the role of this variant in disease. Therefore, it has been classified as a Variant of Uncertain Significance.